The following is an entry in ClinVar:

NM_032634.4(PIGO):c.459C>T (p.Phe153=)

Gene: PIGO (phosphatidylinositol glycan anchor biosynthesis class O; minus strand). Cytogenetic location: 9p13.3.
Variant type: single nucleotide variant.
Coding change: c.459C>T on transcript NM_032634.4 (MANE Select); coding-DNA position 459, C replaced by T.
Protein change: p.Phe153=; no amino-acid change (phenylalanine 153 retained).
Molecular consequence: synonymous variant.
Genome position (GRCh38, 1-based): chr9:35,095,107, G>A on the plus strand (C>T on the coding strand, the complement: PIGO is on the minus strand). VCF-style: chr9-35095107-G-A. GRCh37 (hg19) VCF-style: chr9-35095104-G-A.
Other names: c.459C>T, p.Phe153= (NM_001201484.2, NM_152850.4).
Identifiers: ClinVar variation 511027 (VCV000511027.10), dbSNP rs201331400, ClinGen allele CA5040941.

ClinVar aggregate classification (germline): Likely benign. Review status: criteria provided, multiple submitters, no conflicts (2 of 4 stars). 2 submissions from 2 submitters: Likely benign (2). Last evaluated 2024-03-07.

Conditions:
Hyperphosphatasia with impaired intellectual development syndrome 2. Also called: GLYCOSYLPHOSPHATIDYLINOSITOL BIOSYNTHESIS DEFECT 6; Hyperphosphatasia with intellectual disability syndrome 2. Identifiers: Orphanet 247262, MedGen C3553637, MONDO:0013882, OMIM 614749.

Allele frequency attached by ClinVar (database versions not stated): gnomAD 0.00001; TOPMed 0.00001; gnomAD exomes 0.00002; ExAC 0.00001; 1000 Genomes Project 0.00020; 1000 Genomes Project 30x 0.00016.
gnomAD v4.1: 22 of 1,613,300 alleles (0.0014%); highest among the groups gnomAD compares: African/African-American, 0.0053%; no homozygotes.

Submissions (2):

Labcorp Genetics (formerly Invitae), Labcorp
Classification: Likely benign for Hyperphosphatasia with impaired intellectual development syndrome 2. Last evaluated: 2024-03-07. Review status: criteria provided, single submitter. Criteria: Invitae Variant Classification Sherloc (09022015). Collection method: clinical testing. Allele origin: germline.

GeneDx
Classification: Likely benign. Last evaluated: 2017-07-21. Review status: criteria provided, single submitter. Criteria: GeneDx Variant Classification (06012015). Collection method: clinical testing. Allele origin: germline. Affected: yes.
Comment: This variant is considered likely benign or benign based on one or more of the following criteria: it is a conservative change, it occurs at a poorly conserved position in the protein, it is predicted to be benign by multiple in silico algorithms, and/or has population frequency not consistent with disease.